The following is an entry in ClinVar:

NM_000135.4(FANCA):c.720A>T (p.Gln240His)

Gene: FANCA (FA complementation group A; minus strand). Cytogenetic location: 16q24.3.
Variant type: single nucleotide variant.
Coding change: c.720A>T on transcript NM_000135.4 (MANE Select); coding-DNA position 720, A replaced by T.
Protein change: p.Gln240His; replaces glutamine 240 with histidine.
Molecular consequence: missense variant.
Genome position (GRCh38, 1-based): chr16:89,803,331, T>A on the plus strand (A>T on the coding strand, the complement: FANCA is on the minus strand). VCF-style: chr16-89803331-T-A. GRCh37 (hg19) VCF-style: chr16-89869739-T-A.
Other names: c.720A>T, p.Gln240His (NM_001018112.3, NM_001286167.3); c.624A>T, p.Gln208His (NM_001351830.2); short protein forms Q208H, Q240H.
Identifiers: ClinVar variation 3581567 (VCV003581567.2).

ClinVar aggregate classification (germline): Uncertain significance. Review status: criteria provided, multiple submitters, no conflicts (2 of 4 stars). 2 submissions from 2 submitters: Uncertain significance (2). Last evaluated 2025-04-18.

Conditions:
Inborn genetic diseases. Identifiers: MedGen C0950123, MeSH D030342.
Fanconi anemia complementation group A (FANCA). Also called: FANCA-Related Fanconi Anemia; Fanconi anemia, group A. Identifiers: Orphanet 84, MedGen C3469521, MONDO:0009215, OMIM 227650.

gnomAD v4.1: 2 of 1,614,072 alleles (0.00012%); highest among the groups gnomAD compares: Admixed American, 0.0017%; no homozygotes.

Submissions (2):

Ambry Genetics
Classification: Uncertain significance for Inborn genetic diseases. Last evaluated: 2025-04-18. Review status: criteria provided, single submitter. Criteria: Ambry Variant Classification Scheme 2023. Collection method: clinical testing. Allele origin: germline.
Comment: The p.Q240H variant (also known as c.720A>T), located in coding exon 8 of the FANCA gene, results from an A to T substitution at nucleotide position 720. The glutamine at codon 240 is replaced by histidine, an amino acid with highly similar properties. This amino acid position is conserved. In addition, this alteration is predicted to be tolerated by in silico analysis. Based on the available evidence, the clinical significance of this variant remains unclear.

Fulgent Genetics
Classification: Uncertain significance for Fanconi anemia complementation group A. Last evaluated: 2024-02-23. Review status: criteria provided, single submitter. Criteria: ACMG Guidelines, 2015. Collection method: clinical testing. Allele origin: germline.